The following is an entry in ClinVar:

ClinVar aggregate classification (germline): Uncertain significance. Review status: criteria provided, multiple submitters, no conflicts (2 of 4 stars). 2 submissions from 2 submitters: Uncertain significance (2). Last evaluated 2024-03-28.

Conditions:
Glomerulopathy with fibronectin deposits 2 (GFND2). Identifiers: Orphanet 84090, MedGen C1866075, MONDO:0011165, OMIM 601894.
Spondylometaphyseal dysplasia - Sutcliffe type. Also called: Sutcliffe type of spondylometaphyseal dysplasia; Sutcliffe SMD; Spondylometaphyseal Dysplasia, Corner Fracture Type; Spondylometaphyseal dysplasia, 'corner fracture' type. Identifiers: Orphanet 93315, MedGen C0432221, MONDO:0008479, OMIM 184255.

Allele frequency attached by ClinVar (database versions not stated): ExAC 0.00001; gnomAD exomes 0.00001; TOPMed 0.00002.
gnomAD v4.1: 5 of 1,613,726 alleles (0.00031%); highest among the groups gnomAD compares: Admixed American, 0.0083%; no homozygotes.

Submissions (2):

Fulgent Genetics
Classification: Uncertain significance for Spondylometaphyseal dysplasia - Sutcliffe type; Glomerulopathy with fibronectin deposits 2. Last evaluated: 2024-03-28. Review status: criteria provided, single submitter. Criteria: ACMG Guidelines, 2015. Collection method: clinical testing. Allele origin: germline.

Labcorp Genetics (formerly Invitae), Labcorp
Classification: Uncertain significance. Last evaluated: 2023-06-03. Review status: criteria provided, single submitter. Criteria: Invitae Variant Classification Sherloc (09022015). Collection method: clinical testing. Allele origin: germline.
Comment: In summary, the available evidence is currently insufficient to determine the role of this variant in disease. Therefore, it has been classified as a Variant of Uncertain Significance. This sequence change replaces leucine, which is neutral and non-polar, with phenylalanine, which is neutral and non-polar, at codon 643 of the FN1 protein (p.Leu643Phe). This variant is present in population databases (rs767554900, gnomAD 0.009%). This variant has not been reported in the literature in individuals affected with FN1-related conditions. Advanced modeling of protein sequence and biophysical properties (such as structural, functional, and spatial information, amino acid conservation, physicochemical variation, residue mobility, and thermodynamic stability) performed at Invitae indicates that this missense variant is not expected to disrupt FN1 protein function.

NM_212482.4(FN1):c.1927C>T (p.Leu643Phe)

Gene: FN1 (fibronectin 1; minus strand). Cytogenetic location: 2q35.
Variant type: single nucleotide variant.
Coding change: c.1927C>T on transcript NM_212482.4 (MANE Select); coding-DNA position 1927, C replaced by T.
Protein change: p.Leu643Phe; replaces leucine 643 with phenylalanine.
Molecular consequence: missense variant.
Genome position (GRCh38, 1-based): chr2:215,414,851, G>A on the plus strand (C>T on the coding strand, the complement: FN1 is on the minus strand). VCF-style: chr2-215414851-G-A. GRCh37 (hg19) VCF-style: chr2-216279574-G-A.
Other names: c.1927C>T, p.Leu643Phe (NM_001306131.2, NM_001306132.2, NM_001365520.2 and 14 more transcripts); short protein forms L643F.
Identifiers: ClinVar variation 2903603 (VCV002903603.4), dbSNP rs767554900, ClinGen allele CA2095133.
Genomic context (GRCh38, chr2:215,414,851, plus strand): 5'-AAGATTAGGAGACTCAGTATCCAAGGTTTCTGGGTGGGATACTCACAGGTCTCCACCTGA[G>A]AATGTACTTGGAAATGTGAGATGGCTGTGGTGCATTCCACTGGATGGGGTGGGAGTTGGG-3'
Protein context (NP_997647.2, residues 633-653): PQPSHISKYI[Leu643Phe]RWRPKNSVGR